The following is an entry in ClinVar:

ClinVar aggregate classification (germline): Pathogenic (1 of 4 stars; one submission).

Conditions:
46 XY differences of sex development. Also called: 46, XY disorder of sex development (DSD); 46,XY disorder of sex development. Identifiers: Orphanet 98085, MedGen C2751824, MONDO:0020040.
Oligosynaptic infertility (SPGF1). Also called: SPERMATOGENIC FAILURE 1; OLIGOCHIASMATIC INFERTILITY. Identifiers: MedGen C0403810, MONDO:0009776, OMIM 258150.

Submission:

Labcorp Genetics (formerly Invitae), Labcorp
Classification: Pathogenic for 46 XY differences of sex development; Oligosynaptic infertility. Last evaluated: 2021-01-11. Review status: criteria provided, single submitter. Criteria: Invitae Variant Classification Sherloc (09022015). Collection method: clinical testing. Allele origin: germline.
Comment: For these reasons, this variant has been classified as Pathogenic. This variant has not been reported in the literature in individuals with NR5A1-related conditions. This variant is not present in population databases (ExAC no frequency). This sequence change creates a premature translational stop signal (p.Met78Cysfs*11) in the NR5A1 gene. It is expected to result in an absent or disrupted protein product. Loss-of-function variants in NR5A1 are known to be pathogenic (PMID: 10369247, 11038323, 12907682, 19246354, 20887963).

Literature cited by the submitters: PubMed 10369247; PubMed 11038323; PubMed 12907682; PubMed 19246354; PubMed 20887963.

NM_004959.5(NR5A1):c.231del (p.Met78fs)

Gene: NR5A1 (nuclear receptor subfamily 5 group A member 1; minus strand). Cytogenetic location: 9q33.3.
Variant type: Deletion.
Coding change: c.231del on transcript NM_004959.5 (MANE Select); coding-DNA position 231, one base deleted (G; older notation c.231delG).
Protein change: p.Met78fs; shifts the reading frame from methionine 78.
Molecular consequence: frameshift variant.
Genome position (GRCh38, 1-based): chr9:124,503,092, C deleted on the plus strand (G on the coding strand, the reverse complement: NR5A1 is on the minus strand); the first of 4 consecutive C bases (chr9:124,503,092-124,503,095); deleting any one gives the same sequence. VCF-style (leftmost placement, unchanged base first): chr9-124503091-TC-T. GRCh37 (hg19) VCF-style: chr9-127265370-TC-T.
Other names: short protein forms M78fs.
Identifiers: ClinVar variation 1354651 (VCV001354651.6), dbSNP rs2131289701, ClinGen allele CA2573143853.